The following is an entry in ClinVar:

NM_000038.6(APC):c.645+2T>G

Gene: APC (APC regulator of Wnt signaling pathway; plus strand). Cytogenetic location: 5q22.2.
Variant type: single nucleotide variant.
Coding change: c.645+2T>G on transcript NM_000038.6 (MANE Select); the canonical splice donor site of the intron after coding-DNA position 645, T replaced by G.
Molecular consequence: splice donor variant.
Genome position (GRCh38, 1-based): chr5:112,780,905, T>G. VCF-style: chr5-112780905-T-G. GRCh37 (hg19) VCF-style: chr5-112116602-T-G.
Other names: c.-391+2T>G (NM_001407470.1, NM_001407472.1, NM_001354906.2 and 1 more transcripts); c.645+2T>G (NM_001407447.1, NM_001354895.2, NM_001407456.1 and 16 more transcripts); c.675+2T>G (NM_001407446.1, NM_001354897.2, NM_001354902.2 and 1 more transcripts); c.468+2T>G (NM_001407453.1, NM_001354900.2, NM_001354901.2 and 1 more transcripts); c.570+2T>G (NM_001407451.1, NM_001354898.2, NM_001354904.2).
Identifiers: ClinVar variation 185659 (VCV000185659.5), dbSNP rs786202351, ClinGen allele CA011369.

ClinVar aggregate classification (germline): Uncertain significance. Review status: reviewed by expert panel (3 of 4 stars). 2 submissions from 2 submitters: Uncertain significance (1). 1 of the submissions does not count toward it. Last evaluated 2025-05-16.

Conditions:
Hereditary cancer-predisposing syndrome. Also called: Hereditary neoplastic syndrome; Neoplastic Syndromes, Hereditary; Tumor predisposition; Hereditary Cancer Syndrome. Identifiers: Orphanet 140162, MedGen C0027672, MeSH D009386, MONDO:0015356.
Familial adenomatous polyposis 1 (FAP1). Also called: FAMILIAL ADENOMATOUS POLYPOSIS 1, ATTENUATED; POLYPOSIS, ADENOMATOUS INTESTINAL. Identifiers: MedGen C2713442, MONDO:0021056, OMIM 175100. Disease mechanism: loss of function.

Submissions (2):

ClinGen InSiGHT Hereditary Colorectal Cancer/Polyposis Variant Curation Expert Panel
Classification: Uncertain significance for Familial adenomatous polyposis 1. Last evaluated: 2025-05-16. Review status: reviewed by expert panel. Criteria: ClinGen InSiGHT HCCP VCEP ACMG Specifications APC V1. Collection method: curation. Allele origin: germline. Inheritance: Autosomal dominant inheritance.
Comment: The NM_000038.6(APC):c.645+2T>G variant in APC occurs within the canonical splice donor site of intron 6. It is predicted to result in an in-frame skipping of exon 6 (PVS1_Moderate). This variant is absent from gnomAD v2.1.1 (PM2_Supporting). This variant has been reported in one proband meeting phenotypic criteria, resulting in a total phenotype score of 1 (PS4_Supporting, [Ambry Genetics]). In summary, this variant is a VUS for autosomal-dominant inherited FAP based on the ACMG/AMP criteria applied, as specified by the ClinGen InSiGHT Hereditary Colorectal Cancer/Polyposis VCEP: PVS1_Moderate, PS4_Supporting, PM2_Supporting (VCEP specifications version v2.0.3; date of approval 7/24/2023).

Ambry Genetics
Classification: Likely pathogenic for Hereditary cancer-predisposing syndrome. Last evaluated: 2018-07-23. Review status: criteria provided, single submitter. Criteria: Ambry Variant Classification Scheme 2023. Collection method: clinical testing. Allele origin: germline. Not counted in ClinVar's aggregate classification.
Comment: The c.645+2T>G intronic variant results from a T to G substitution two nucleotides after coding exon 5 in the APC gene. This nucleotide position is highly conserved in available vertebrate species. Using the BDGP and ESEfinder splice site prediction tools, this alteration is predicted to abolish the native donor splice site; however, direct evidence is unavailable. Alterations that disrupt the canonical splice site are expected to cause aberrant splicing, resulting in an abnormal protein or a transcript that is subject to nonsense-mediated mRNA decay. As such, this alteration is classified as likely pathogenic.